The following is an entry in ClinVar:

NM_001458.5(FLNC):c.59A>C (p.Glu20Ala)

Gene: FLNC (filamin C; plus strand). Cytogenetic location: 7q32.1.
Variant type: single nucleotide variant.
Coding change: c.59A>C on transcript NM_001458.5 (MANE Select); coding-DNA position 59, A replaced by C.
Protein change: p.Glu20Ala; replaces glutamic acid 20 with alanine.
Molecular consequence: missense variant.
Genome position (GRCh38, 1-based): chr7:128,830,696, A>C. VCF-style: chr7-128830696-A-C. GRCh37 (hg19) VCF-style: chr7-128470750-A-C.
Other names: c.59A>C, p.Glu20Ala (NM_001127487.2); short protein forms E20A.
Identifiers: ClinVar variation 472120 (VCV000472120.11), dbSNP rs1478918808, ClinGen allele CA369215548.

ClinVar aggregate classification (germline): Uncertain significance. Review status: criteria provided, multiple submitters, no conflicts (2 of 4 stars). 3 submissions from 3 submitters: Uncertain significance (3). Last evaluated 2025-11-25.

Conditions:
Myofibrillar myopathy 5. Also called: FILAMINOPATHY, AUTOSOMAL DOMINANT; Filaminopathy (type). Identifiers: Orphanet 171445, MedGen C1836050, MONDO:0012289, OMIM 609524.
Hypertrophic cardiomyopathy 26. Also called: Cardiomyopathy, familial hypertrophic, 26. Identifiers: Orphanet 75249, MedGen C4310749, MONDO:0014883, OMIM 617047.
Distal myopathy with posterior leg and anterior hand involvement. Also called: WILLIAMS DISTAL MYOPATHY. Identifiers: Orphanet 63273, MedGen C3279722, MONDO:0013550, OMIM 614065.
FLNC-related disorder. Also called: FLNC-related disorders; FLNC-related condition.
Cardiovascular phenotype. Identifiers: MedGen CN230736.

Allele frequency attached by ClinVar (database versions not stated): gnomAD 0.00001; gnomAD exomes 0.00001; TOPMed 0.00001.
gnomAD v4.1: 11 of 1,612,766 alleles (0.00068%); highest among the groups gnomAD compares: African/African-American, 0.0013%; no homozygotes.

Submissions (3):

PreventionGenetics, part of Exact Sciences
Classification: Uncertain significance for FLNC-related condition. Last evaluated: 2025-11-25. Review status: criteria provided, single submitter. Criteria: ACMG Guidelines, 2015. Collection method: clinical testing. Allele origin: germline.
Comment: The FLNC c.59A>C variant is predicted to result in the amino acid substitution p.Glu20Ala. To our knowledge, this variant has not been reported in the literature. This variant is reported in 0.0018% of alleles in individuals of European (Non-Finnish) descent in gnomAD. At this time, the clinical significance of this variant is uncertain due to the absence of conclusive functional and genetic evidence.

Ambry Genetics
Classification: Uncertain significance for Cardiovascular phenotype. Last evaluated: 2025-08-27. Review status: criteria provided, single submitter. Criteria: Ambry Variant Classification Scheme 2023. Collection method: clinical testing. Allele origin: germline.

Labcorp Genetics (formerly Invitae), Labcorp
Classification: Uncertain significance for Distal myopathy with posterior leg and anterior hand involvement; Myofibrillar myopathy 5; Hypertrophic cardiomyopathy 26. Last evaluated: 2022-11-24. Review status: criteria provided, single submitter. Criteria: Invitae Variant Classification Sherloc (09022015). Collection method: clinical testing. Allele origin: germline.
Comment: This sequence change replaces glutamic acid, which is acidic and polar, with alanine, which is neutral and non-polar, at codon 20 of the FLNC protein (p.Glu20Ala). This variant is present in population databases (no rsID available, gnomAD 0.002%). In summary, the available evidence is currently insufficient to determine the role of this variant in disease. Therefore, it has been classified as a Variant of Uncertain Significance. Algorithms developed to predict the effect of missense changes on protein structure and function (SIFT, PolyPhen-2, Align-GVGD) all suggest that this variant is likely to be tolerated. ClinVar contains an entry for this variant (Variation ID: 472120). This missense change has been observed in individual(s) with clinical features of FLNC-related conditions (Invitae).